The following is an entry in ClinVar:

NM_001387430.1(SH2B1):c.835T>C (p.Ser279Pro)

Gene: SH2B1 (SH2B adaptor protein 1; plus strand). Cytogenetic location: 16p11.2.
Variant type: single nucleotide variant.
Coding change: c.835T>C on transcript NM_001387430.1 (MANE Select); coding-DNA position 835, T replaced by C.
Protein change: p.Ser279Pro; replaces serine 279 with proline.
Molecular consequence: missense variant. On other transcripts: intron variant (1).
Genome position (GRCh38, 1-based): chr16:28,866,929, T>C. VCF-style: chr16-28866929-T-C. GRCh37 (hg19) VCF-style: chr16-28878250-T-C.
Other names: c.835T>C, p.Ser279Pro (NM_001145795.2, NM_001145796.2, NM_001145797.2 and 4 more transcripts); c.-26-445T>C (NM_001308294.2); short protein forms S279P.
Identifiers: ClinVar variation 1313153 (VCV001313153.2), dbSNP rs2152177412, ClinGen allele CA395424947.

ClinVar aggregate classification (germline): Uncertain significance (1 of 4 stars; one submission).

Submission:

GeneDx
Classification: Uncertain significance. Last evaluated: 2021-09-20. Review status: criteria provided, single submitter. Criteria: GeneDx Variant Classification Process June 2021. Collection method: clinical testing. Allele origin: germline. Affected: yes.
Comment: Not observed in large population cohorts (Lek et al., 2016); In silico analysis supports that this missense variant does not alter protein structure/function; Has not been previously published as pathogenic or benign to our knowledge; This variant is associated with the following publications: (PMID: 27535533)